The following is an entry in ClinVar:

ClinVar aggregate classification (germline): Uncertain significance (1 of 4 stars; one submission).

Submission:

GeneDx
Classification: Uncertain significance. Last evaluated: 2016-08-26. Review status: criteria provided, single submitter. Criteria: GeneDx Variant Classification (06012015). Collection method: clinical testing. Allele origin: germline. Affected: yes.
Comment: A variant of uncertain significance has been identified in the CNTN1 gene. The N630D variant has not been published as a pathogenic variant, nor has it been reported as a benign variant to our knowledge. It was not observed in approximately 6,500 individuals of European and African American ancestry in the NHLBI Exome Sequencing Project, indicating it is not a common benign variant in these populations. The N630D variant is a semi-conservative amino acid substitution, which may impact secondary protein structure as these residues differ in some properties. This substitution occurs at a position that is conserved across species and in silico analysis predicts this variant is probably damaging to the protein structure/function. However, missense variants in nearby residues have not been reported in the Human Gene Mutation Database in association with CNTN1-related disorder (Stenson et al., 2014). Therefore, based on the currently available information, it is unclear whether this variant is a pathogenic variant or a rare benign variant.

NM_001843.4(CNTN1):c.1888A>G (p.Asn630Asp)

Gene: CNTN1 (contactin 1; plus strand). Cytogenetic location: 12q12.
Variant type: single nucleotide variant.
Coding change: c.1888A>G on transcript NM_001843.4 (MANE Select); coding-DNA position 1888, A replaced by G.
Protein change: p.Asn630Asp; replaces asparagine 630 with aspartic acid.
Molecular consequence: missense variant.
Genome position (GRCh38, 1-based): chr12:40,980,992, A>G. VCF-style: chr12-40980992-A-G. GRCh37 (hg19) VCF-style: chr12-41374794-A-G.
Other names: c.1855A>G, p.Asn619Asp (NM_175038.2); short protein forms N630D, N619D.
Identifiers: ClinVar variation 422028 (VCV000422028.2), dbSNP rs1064795510, ClinGen allele CA16619521.
Genomic context (GRCh38, chr12:40,980,992, plus strand): 5'-CTGAGAATAGAAGACATTAGAGCCACTTCTGTGGCACTTACTTGGAGCCGTGGTTCAGAC[A>G]ATCATAGTCCTATTTCTAAATACACTATCCAGACCAAGACTATTCTTTCAGATGACTGGA-3'
Protein context (NP_001834.2, residues 620-640): VALTWSRGSD[Asn630Asp]HSPISKYTIQ